The following is an entry in ClinVar:

NM_022437.3(ABCG8):c.52C>T (p.Gln18Ter)

Genes: ABCG5 (ATP binding cassette subfamily G member 5; minus strand), ABCG8 (ATP binding cassette subfamily G member 8; plus strand). Cytogenetic location: 2p21.
Variant type: single nucleotide variant.
Coding change: c.52C>T on transcript NM_022437.3 (MANE Select); coding-DNA position 52, C replaced by T.
Protein change: p.Gln18Ter; replaces glutamine 18 with a stop codon.
Molecular consequence: nonsense.
Genome position (GRCh38, 1-based): chr2:43,839,105, C>T. VCF-style: chr2-43839105-C-T. GRCh37 (hg19) VCF-style: chr2-44066244-C-T.
Other names: c.52C>T, p.Gln18Ter (NM_001357321.2); short protein forms Q18*.
Identifiers: ClinVar variation 2989355 (VCV002989355.3), dbSNP rs2466158443, ClinGen allele CA346662585.

ClinVar aggregate classification (germline): Pathogenic (1 of 4 stars; one submission).

Submission:

Labcorp Genetics (formerly Invitae), Labcorp
Classification: Pathogenic. Last evaluated: 2024-05-06. Review status: criteria provided, single submitter. Criteria: Invitae Variant Classification Sherloc (09022015). Collection method: clinical testing. Allele origin: germline.
Comment: This sequence change creates a premature translational stop signal (p.Gln18*) in the ABCG8 gene. It is expected to result in an absent or disrupted protein product. Loss-of-function variants in ABCG8 are known to be pathogenic (PMID: 11452359, 15375183, 16029460). This variant is not present in population databases (gnomAD no frequency). This variant has not been reported in the literature in individuals affected with ABCG8-related conditions. For these reasons, this variant has been classified as Pathogenic.

Literature cited by the submitters: PubMed 11452359; PubMed 15375183; PubMed 16029460.